The following is an entry in ClinVar:

ClinVar aggregate classification (germline): Uncertain significance (1 of 4 stars; one submission).

Conditions:
Joubert syndrome 21 (JBTS21). Identifiers: MedGen C3810212, MONDO:0014288, OMIM 615636.

Allele frequency attached by ClinVar (database versions not stated): gnomAD exomes below 0.00001; ExAC 0.00001.
gnomAD v4.1: 1 of 1,614,076 alleles (0.000062%); highest among the groups gnomAD compares: Non-Finnish European, 0.000085%; no homozygotes.

Submission:

Labcorp Genetics (formerly Invitae), Labcorp
Classification: Uncertain significance for Joubert syndrome 21. Last evaluated: 2021-04-14. Review status: criteria provided, single submitter. Criteria: Invitae Variant Classification Sherloc (09022015). Collection method: clinical testing. Allele origin: germline.
Comment: In summary, the available evidence is currently insufficient to determine the role of this variant in disease. Therefore, it has been classified as a Variant of Uncertain Significance. Algorithms developed to predict the effect of missense changes on protein structure and function output the following: SIFT: "Tolerated"; PolyPhen-2: "Benign"; Align-GVGD: "Class C0". The proline amino acid residue is found in multiple mammalian species, suggesting that this missense change does not adversely affect protein function. These predictions have not been confirmed by published functional studies and their clinical significance is uncertain. This variant has not been reported in the literature in individuals with CSPP1-related conditions. This variant is present in population databases (rs747312980, ExAC 0.001%). This sequence change replaces serine with proline at codon 462 of the CSPP1 protein (p.Ser462Pro). The serine residue is highly conserved and there is a moderate physicochemical difference between serine and proline.

NM_001382391.1(CSPP1):c.1399T>C (p.Ser467Pro)

Gene: CSPP1 (centrosome and spindle pole associated protein 1; plus strand). Cytogenetic location: 8q13.2.
Variant type: single nucleotide variant.
Coding change: c.1399T>C on transcript NM_001382391.1 (MANE Select); coding-DNA position 1399, T replaced by C.
Protein change: p.Ser467Pro; replaces serine 467 with proline.
Molecular consequence: missense variant.
Genome position (GRCh38, 1-based): chr8:67,116,025, T>C. VCF-style: chr8-67116025-T-C. GRCh37 (hg19) VCF-style: chr8-68028260-T-C.
Other names: c.502T>C, p.Ser168Pro (NM_001291339.2); c.1318T>C, p.Ser440Pro (NM_001363131.2); c.1357T>C, p.Ser453Pro (NM_001363132.2); c.1276T>C, p.Ser426Pro (NM_001363133.2); c.1465T>C, p.Ser489Pro (NM_001364869.1); c.1285T>C, p.Ser429Pro (NM_001364870.1); c.1384T>C, p.Ser462Pro (NM_024790.7); short protein forms S168P, S426P, S440P, S489P, S453P, S429P, S462P, S467P.
Identifiers: ClinVar variation 1345171 (VCV001345171.8), dbSNP rs747312980, ClinGen allele CA4770530.